The following is an entry in ClinVar:

ClinVar aggregate classification (germline): Uncertain significance. Review status: criteria provided, multiple submitters, no conflicts (2 of 4 stars). 2 submissions from 2 submitters: Uncertain significance (2). Last evaluated 2023-09-01.

Conditions:
Cryptosporidiosis-chronic cholangitis-liver disease syndrome. Also called: Immunodeficiency type 56; IL21R immunodeficiency. Identifiers: Orphanet 357329, MedGen C3554687, MONDO:0014082, OMIM 615207.

Allele frequency attached by ClinVar (database versions not stated): gnomAD exomes 0.00001 and 0.00002; ExAC 0.00002; gnomAD 0.00005 and 0.00006; TOPMed 0.00006; ESP Exome Variant Server 0.00015.
gnomAD v4.1: 23 of 1,613,896 alleles (0.0014%); highest among the groups gnomAD compares: African/African-American, 0.016%; no homozygotes.

Submissions (2):

CeGaT Center for Human Genetics Tuebingen
Classification: Uncertain significance. Last evaluated: 2023-09-01. Review status: criteria provided, single submitter. Criteria: CeGaT Center For Human Genetics Tuebingen Variant Classification Criteria Version 2. Collection method: clinical testing. Allele origin: germline. Affected: yes. Observed: 1 variant allele.
Comment: IL21R: PM2

Labcorp Genetics (formerly Invitae), Labcorp
Classification: Uncertain significance for Cryptosporidiosis-chronic cholangitis-liver disease syndrome. Last evaluated: 2022-04-28. Review status: criteria provided, single submitter. Criteria: Invitae Variant Classification Sherloc (09022015). Collection method: clinical testing. Allele origin: germline.
Comment: This sequence change replaces threonine, which is neutral and polar, with methionine, which is neutral and non-polar, at codon 32 of the IL21R protein (p.Thr32Met). This variant is present in population databases (rs374987749, gnomAD 0.02%). This variant has not been reported in the literature in individuals affected with IL21R-related conditions. ClinVar contains an entry for this variant (Variation ID: 1062118). Algorithms developed to predict the effect of missense changes on protein structure and function are either unavailable or do not agree on the potential impact of this missense change (SIFT: "Deleterious"; PolyPhen-2: "Probably Damaging"; Align-GVGD: "Class C0"). In summary, the available evidence is currently insufficient to determine the role of this variant in disease. Therefore, it has been classified as a Variant of Uncertain Significance.

NM_181078.3(IL21R):c.95C>T (p.Thr32Met)

Gene: IL21R (interleukin 21 receptor; plus strand). Cytogenetic location: 16p12.1.
Variant type: single nucleotide variant.
Coding change: c.95C>T on transcript NM_181078.3 (MANE Select); coding-DNA position 95, C replaced by T.
Protein change: p.Thr32Met; replaces threonine 32 with methionine.
Molecular consequence: missense variant.
Genome position (GRCh38, 1-based): chr16:27,434,392, C>T. VCF-style: chr16-27434392-C-T. GRCh37 (hg19) VCF-style: chr16-27445713-C-T.
Other names: c.95C>T, p.Thr32Met (NM_021798.4); c.161C>T, p.Thr54Met (NM_181079.5); short protein forms T32M, T54M.
Identifiers: ClinVar variation 1062118 (VCV001062118.30), dbSNP rs374987749, ClinGen allele CA7974869.